The following is an entry in ClinVar:

NM_030628.2(INTS5):c.1011G>T (p.Thr337=)

Gene: INTS5 (integrator complex subunit 5; minus strand). Cytogenetic location: 11q12.3.
Variant type: single nucleotide variant.
Coding change: c.1011G>T on transcript NM_030628.2 (MANE Select); coding-DNA position 1011, G replaced by T.
Protein change: p.Thr337=; no amino-acid change (threonine 337 retained).
Molecular consequence: synonymous variant.
Genome position (GRCh38, 1-based): chr11:62,649,069, C>A on the plus strand (G>T on the coding strand, the complement: INTS5 is on the minus strand). VCF-style: chr11-62649069-C-A. GRCh37 (hg19) VCF-style: chr11-62416541-C-A.
Identifiers: ClinVar variation 2641887 (VCV002641887.24), dbSNP rs747323715, ClinGen allele CA475132406.
Genomic context (GRCh38, chr11:62,649,069, plus strand): 5'-TCCAGAGACAGTGCCCAGCAAAGCTGGTGACATGACTGCCAGCTGCAGTAGGAACGGAAC[C>A]GTGGCCTGAAGGGAGGGGTCCCCACTGCGGCCTCCAGATCCCCCTGCCAGGCTATCATGG-3'
Protein context (NP_085131.1, residues 327-347): GRSGDPSLQA[Thr337=]VPFLLQLAVM

ClinVar aggregate classification (germline): Likely benign (1 of 4 stars; one submission).

Submission:

CeGaT Center for Human Genetics Tuebingen
Classification: Likely benign. Last evaluated: 2022-10-01. Review status: criteria provided, single submitter. Criteria: CeGaT Center For Human Genetics Tuebingen Variant Classification Criteria Version 2. Collection method: clinical testing. Allele origin: germline. Affected: yes. Observed: 1 variant allele.
Comment: INTS5: PM2:Supporting, BP4, BP7